The following is an entry in ClinVar:

ClinVar aggregate classification (germline): Uncertain significance. Review status: criteria provided, multiple submitters, no conflicts (2 of 4 stars). 2 submissions from 2 submitters: Uncertain significance (2). Last evaluated 2026-01-27.

Conditions:
Inborn genetic diseases. Identifiers: MedGen C0950123, MeSH D030342.
2-aminoadipic 2-oxoadipic aciduria (AAKAD). Also called: Aminoadipic aciduria; ALPHA-AMINOADIPIC AND ALPHA-KETOADIPIC ACIDURIA. Identifiers: Orphanet 79154, MedGen C1859817, MONDO:0008774, OMIM 204750.

Allele frequency attached by ClinVar (database versions not stated): gnomAD 0.00002 and 0.00006; gnomAD exomes 0.00002 and 0.00005; TOPMed 0.00003; ExAC 0.00005; 1000 Genomes Project 30x 0.00062; 1000 Genomes Project 0.00080.
gnomAD v4.1: 42 of 1,594,676 alleles (0.0026%); highest among the groups gnomAD compares: East Asian, 0.041%; 1 homozygote.

Submissions (2):

Labcorp Genetics (formerly Invitae), Labcorp
Classification: Uncertain significance for 2-aminoadipic 2-oxoadipic aciduria. Last evaluated: 2026-01-27. Review status: criteria provided, single submitter. Criteria: Invitae Variant Classification Sherloc (09022015). Collection method: clinical testing. Allele origin: germline.
Comment: This sequence change replaces valine, which is neutral and non-polar, with alanine, which is neutral and non-polar, at codon 797 of the DHTKD1 protein (p.Val797Ala). This variant is present in population databases (rs545835536, gnomAD 0.06%). This variant has not been reported in the literature in individuals affected with DHTKD1-related conditions. ClinVar contains an entry for this variant (Variation ID: 1023096). Invitae Evidence Modeling of protein sequence and biophysical properties (such as structural, functional, and spatial information, amino acid conservation, physicochemical variation, residue mobility, and thermodynamic stability) indicates that this missense variant is not expected to disrupt DHTKD1 protein function with a negative predictive value of 80%. In summary, the available evidence is currently insufficient to determine the role of this variant in disease. Therefore, it has been classified as a Variant of Uncertain Significance.

Ambry Genetics
Classification: Uncertain significance for Inborn genetic diseases. Last evaluated: 2025-03-30. Review status: criteria provided, single submitter. Criteria: Ambry Variant Classification Scheme 2023. Collection method: clinical testing. Allele origin: germline.

NM_018706.7(DHTKD1):c.2390T>C (p.Val797Ala)

Gene: DHTKD1 (dehydrogenase E1 and transketolase domain containing 1; plus strand). Cytogenetic location: 10p14.
Variant type: single nucleotide variant.
Coding change: c.2390T>C on transcript NM_018706.7 (MANE Select); coding-DNA position 2390, T replaced by C.
Protein change: p.Val797Ala; replaces valine 797 with alanine.
Molecular consequence: missense variant.
Genome position (GRCh38, 1-based): chr10:12,117,743, T>C. VCF-style: chr10-12117743-T-C. GRCh37 (hg19) VCF-style: chr10-12159742-T-C.
Other names: c.2390T>C (NM_018706.5); short protein forms V797A.
Identifiers: ClinVar variation 1023096 (VCV001023096.8), dbSNP rs545835536, ClinGen allele CA5408239.
Genomic context (GRCh38, chr10:12,117,743, plus strand): 5'-CAACTCTTCAAGAAATGGCACCAGGAACAACATTTAACCCGGTCATTGGTGATTCATCTG[T>C]GGATCCAAAAAAGTAAGATATGTATCTCTGTTTTCATATTCTGTGGCAGAATTTTAATTA-3'
Protein context (NP_061176.4, residues 787-807): TFNPVIGDSS[Val797Ala]DPKKVKTLVF